The following is an entry in ClinVar:

ClinVar aggregate classification (germline): Likely benign. Review status: criteria provided, single submitter (1 of 4 stars). 2 submissions from 2 submitters: Likely benign (1). 1 of the submissions does not count toward it. Last evaluated 2022-10-17.

Conditions:
CACNA2D4-related disorder. Also called: CACNA2D4-related condition.

Allele frequency attached by ClinVar (database versions not stated): gnomAD 0.00001; gnomAD exomes 0.00001; ExAC 0.00002; 1000 Genomes Project 30x 0.00016.
gnomAD v4.1: 9 of 1,612,324 alleles (0.00056%); highest among the groups gnomAD compares: African/African-American, 0.0053%; no homozygotes.

Submissions (2):

Labcorp Genetics (formerly Invitae), Labcorp
Classification: Likely benign. Last evaluated: 2022-10-17. Review status: criteria provided, single submitter. Criteria: Invitae Variant Classification Sherloc (09022015). Collection method: clinical testing. Allele origin: germline.

PreventionGenetics, part of Exact Sciences
Classification: Likely benign for CACNA2D4-related condition. Last evaluated: 2019-05-01. Review status: no assertion criteria provided. Collection method: clinical testing. Allele origin: germline. Not counted in ClinVar's aggregate classification.
Comment: This variant is classified as likely benign based on ACMG/AMP sequence variant interpretation guidelines (Richards et al. 2015 PMID: 25741868, with internal and published modifications).

NM_172364.5(CACNA2D4):c.2551+9G>A

Gene: CACNA2D4 (calcium voltage-gated channel auxiliary subunit alpha2delta 4; minus strand). Cytogenetic location: 12p13.33.
Variant type: single nucleotide variant.
Coding change: c.2551+9G>A on transcript NM_172364.5 (MANE Select); 9 bases into the intron after coding-DNA position 2551, G replaced by A.
Molecular consequence: intron variant.
Genome position (GRCh38, 1-based): chr12:1,840,730, C>T on the plus strand (G>A on the coding strand, the complement: CACNA2D4 is on the minus strand). VCF-style: chr12-1840730-C-T. GRCh37 (hg19) VCF-style: chr12-1949896-C-T.
Other names: c.2551+9G>A (NM_172364.4).
Identifiers: ClinVar variation 1085693 (VCV001085693.11), dbSNP rs183421147, ClinGen allele CA6386647.